The following is an entry in ClinVar:

ClinVar aggregate classification (germline): Benign/Likely benign. Review status: criteria provided, multiple submitters, no conflicts (2 of 4 stars). 9 submissions from 9 submitters: Benign (3); Likely benign (5). 1 of the submissions does not count toward it. Last evaluated 2025-12-15.

Conditions:
Inborn genetic diseases. Identifiers: MedGen C0950123, MeSH D030342.
NIPBL-related disorder. Also called: NIPBL-related condition.
Cornelia de Lange syndrome 1 (CDLS1). Also called: TYPUS DEGENERATIVUS AMSTELODAMENSIS; NIPBL-Related Cornelia de Lange Syndrome; Brachmann de Lange syndrome. Identifiers: Orphanet 199, MedGen C4551851, MONDO:0007387, OMIM 122470.

Allele frequency attached by ClinVar (database versions not stated): gnomAD exomes 0.00008 and 0.00014; ExAC 0.00018; ESP Exome Variant Server 0.00054; gnomAD 0.00061 and 0.00064; 1000 Genomes Project 30x 0.00062; TOPMed 0.00074; 1000 Genomes Project 0.00080.
gnomAD v4.1: 206 of 1,613,858 alleles (0.013%); highest among the groups gnomAD compares: African/African-American, 0.26%; no homozygotes.

Submissions (9):

Labcorp Genetics (formerly Invitae), Labcorp
Classification: Benign for Cornelia de Lange syndrome 1. Last evaluated: 2025-12-15. Review status: criteria provided, single submitter. Criteria: Invitae Variant Classification Sherloc (09022015). Collection method: clinical testing. Allele origin: germline.

CeGaT Center for Human Genetics Tuebingen
Classification: Likely benign. Last evaluated: 2025-11-01. Review status: criteria provided, single submitter. Criteria: CeGaT Center For Human Genetics Tuebingen Variant Classification Criteria Version 2. Collection method: clinical testing. Allele origin: germline. Affected: yes. Observed: 1 variant allele.
Comment: NIPBL: BP4, BS1

Blueprint Genetics
Classification: Benign. Last evaluated: 2021-09-22. Review status: criteria provided, single submitter. Criteria: ACMG Guidelines, 2015. Collection method: clinical testing. Allele origin: germline.

Genome-Nilou Lab
Classification: Benign for Cornelia de Lange syndrome 1. Last evaluated: 2021-07-15. Review status: criteria provided, single submitter. Criteria: ACMG Guidelines, 2015. Collection method: clinical testing. Allele origin: germline. Affected: no.

GeneDx
Classification: Likely benign. Last evaluated: 2020-10-16. Review status: criteria provided, single submitter. Criteria: GeneDx Variant Classification Process June 2021. Collection method: clinical testing. Allele origin: germline. Affected: yes.

Ambry Genetics
Classification: Likely benign for Inborn genetic diseases. Last evaluated: 2017-09-21. Review status: criteria provided, single submitter. Criteria: Ambry Variant Classification Scheme 2023. Collection method: clinical testing. Allele origin: germline.

Eurofins Ntd Llc (ga)
Classification: Likely benign. Last evaluated: 2016-04-22. Review status: criteria provided, single submitter. Criteria: EGL Classification Definitions 2015. Collection method: clinical testing. Allele origin: germline. Observed: 1 variant allele, 1 heterozygote.

Breakthrough Genomics
Classification: Likely benign. Review status: criteria provided, single submitter. Criteria: ACMG Guidelines, 2015. Collection method: not provided. Allele origin: germline. Inheritance: Autosomal dominant inheritance. Affected: yes.

PreventionGenetics, part of Exact Sciences
Classification: Likely benign for NIPBL-related condition. Last evaluated: 2019-04-25. Review status: no assertion criteria provided. Collection method: clinical testing. Allele origin: germline. Not counted in ClinVar's aggregate classification.
Comment: This variant is classified as likely benign based on ACMG/AMP sequence variant interpretation guidelines (Richards et al. 2015 PMID: 25741868, with internal and published modifications).

NM_133433.4(NIPBL):c.2727T>C (p.Gly909=)

Gene: NIPBL (NIPBL cohesin loading factor; plus strand). Cytogenetic location: 5p13.2.
Variant type: single nucleotide variant.
Coding change: c.2727T>C on transcript NM_133433.4 (MANE Select); coding-DNA position 2727, T replaced by C.
Protein change: p.Gly909=; no amino-acid change (glycine 909 retained).
Molecular consequence: synonymous variant.
Genome position (GRCh38, 1-based): chr5:36,985,907, T>C. VCF-style: chr5-36985907-T-C. GRCh37 (hg19) VCF-style: chr5-36986009-T-C.
Other names: c.2727T>C, p.Gly909= (NM_015384.5).
Identifiers: ClinVar variation 287408 (VCV000287408.29), dbSNP rs148394805, ClinGen allele CA3236216.